The following is an entry in ClinVar:

ClinVar aggregate classification (germline): Uncertain significance. Review status: criteria provided, multiple submitters, no conflicts (2 of 4 stars). 3 submissions from 3 submitters: Uncertain significance (3). Last evaluated 2026-01-14.

Conditions:
Autosomal dominant polycystic kidney disease. Identifiers: Orphanet 730, MedGen C0085413, MONDO:0004691.
Polycystic kidney disease 2 (PKD2). Also called: POLYCYSTIC KIDNEY DISEASE 2 WITH OR WITHOUT POLYCYSTIC LIVER DISEASE; POLYCYSTIC KIDNEY DISEASE, ADULT, TYPE II; Polycystic Kidney Disease 2, Autosomal Dominant. Identifiers: MedGen C2751306, MONDO:0013131, OMIM 613095.
PKD2-related disorder. Also called: PKD2-related condition.

Allele frequency attached by ClinVar (database versions not stated): ExAC below 0.00001; TOPMed 0.00005; gnomAD exomes 0.00008.
gnomAD v4.1: 45 of 1,461,504 alleles (0.0031%); highest among the groups gnomAD compares: Admixed American, 0.013%; no homozygotes.

Submissions (3):

Labcorp Genetics (formerly Invitae), Labcorp
Classification: Uncertain significance for Autosomal dominant polycystic kidney disease. Last evaluated: 2026-01-14. Review status: criteria provided, single submitter. Criteria: Invitae Variant Classification Sherloc (09022015). Collection method: clinical testing. Allele origin: germline.
Comment: This sequence change replaces proline, which is neutral and non-polar, with glutamine, which is neutral and polar, at codon 68 of the PKD2 protein (p.Pro68Gln). This variant is present in population databases (rs751221093, gnomAD 0.02%), and has an allele count higher than expected for a pathogenic variant. This variant has not been reported in the literature in individuals affected with PKD2-related conditions. ClinVar contains an entry for this variant (Variation ID: 905785). An algorithm developed to predict the effect of missense changes on protein structure and function (PolyPhen-2) suggests that this variant is likely to be disruptive. In summary, the available evidence is currently insufficient to determine the role of this variant in disease. Therefore, it has been classified as a Variant of Uncertain Significance.

PreventionGenetics, part of Exact Sciences
Classification: Uncertain significance for PKD2-related condition. Last evaluated: 2025-10-28. Review status: criteria provided, single submitter. Criteria: ACMG Guidelines, 2015. Collection method: clinical testing. Allele origin: germline.
Comment: The PKD2 c.203C>A variant is predicted to result in the amino acid substitution p.Pro68Gln. To our knowledge, this variant has not been reported in the literature. This variant is reported in 0.016% of alleles in individuals of Latino descent in gnomAD. Although we suspect that this variant may be benign, at this time, the clinical significance of this variant is uncertain due to the absence of conclusive functional and genetic evidence.

Illumina Laboratory Services, Illumina
Classification: Uncertain significance for Polycystic kidney disease 2. Last evaluated: 2018-01-13. Review status: criteria provided, single submitter. Criteria: ICSL Variant Classification Criteria 13 December 2019. Collection method: clinical testing. Allele origin: germline.

NM_000297.4(PKD2):c.203C>A (p.Pro68Gln)

Genes: PKD2 (polycystin 2, transient receptor potential cation channel; plus strand), LOC129992813 (ATAC-STARR-seq lymphoblastoid silent region 15559; plus strand). Cytogenetic location: 4q22.1.
Variant type: single nucleotide variant.
Coding change: c.203C>A on transcript NM_000297.4 (MANE Select); coding-DNA position 203, C replaced by A.
Protein change: p.Pro68Gln; replaces proline 68 with glutamine.
Molecular consequence: missense variant. On other transcripts: non-coding transcript variant (1).
Genome position (GRCh38, 1-based): chr4:88,007,936, C>A. VCF-style: chr4-88007936-C-A. GRCh37 (hg19) VCF-style: chr4-88929088-C-A.
Other names: short protein forms P68Q.
Identifiers: ClinVar variation 905785 (VCV000905785.8), dbSNP rs751221093, ClinGen allele CA3003716.
Genomic context (GRCh38, chr4:88,007,936, plus strand): 5'-AGCAGCGGGGCCTGGAGATCGAGATGCAGCGCATCCGGCAGGCGGCCGCGCGGGACCCCC[C>A]GGCCGGAGCCGCGGCCTCCCCTTCTCCTCCGCTCTCGTCGTGCTCCCGGCAGGCGTGGAG-3'
Protein context (NP_000288.1, residues 58-78): RIRQAAARDP[Pro68Gln]AGAAASPSPP